The following is an entry in ClinVar:

ClinVar aggregate classification (germline): Pathogenic (1 of 4 stars; one submission).

Conditions:
Marfan syndrome (MFS). Also called: MARFAN SYNDROME, TYPE I; Marfan syndrome type 1; Marfan's syndrome; Marfan syndrome, classic; FBN1-Related Marfan Syndrome. Identifiers: Orphanet 284963, Orphanet 558, MedGen C0024796, MONDO:0007947, OMIM 154700.
Familial thoracic aortic aneurysm and aortic dissection (TAAD). Also called: Thoracic aortic aneurysms and dissections. Identifiers: Orphanet 91387, MedGen C4707243, MONDO:0019625.

Submission:

Labcorp Genetics (formerly Invitae), Labcorp
Classification: Pathogenic for Marfan syndrome; Familial thoracic aortic aneurysm and aortic dissection. Last evaluated: 2024-03-01. Review status: criteria provided, single submitter. Criteria: Invitae Variant Classification Sherloc (09022015). Collection method: clinical testing. Allele origin: germline.
Comment: This sequence change replaces cysteine, which is neutral and slightly polar, with tryptophan, which is neutral and slightly polar, at codon 102 of the FBN1 protein (p.Cys102Trp). This variant is not present in population databases (gnomAD no frequency). This missense change has been observed in individuals with Marfan syndrome (PMID: 34550612; Invitae). Advanced modeling of protein sequence and biophysical properties (such as structural, functional, and spatial information, amino acid conservation, physicochemical variation, residue mobility, and thermodynamic stability) performed at Invitae indicates that this missense variant is expected to disrupt FBN1 protein function with a positive predictive value of 95%. This variant affects a cysteine residue in the EGF-like, TGFBP or hybrid motif domains of FBN1. Cysteine residues are believed to be involved in intramolecular disulfide bridges and have been shown to be important for FBN1 protein structure (PMID: 16905551, 19349279). In addition, missense substitutions affecting cysteine residues within these domains are significantly overrepresented among patients with Marfan syndrome (PMID: 16571647, 17701892). For these reasons, this variant has been classified as Pathogenic.

Literature cited by the submitters: PubMed 34550612; PubMed 16905551; PubMed 19349279; PubMed 16571647; PubMed 17701892.

NM_000138.5(FBN1):c.306C>G (p.Cys102Trp)

Gene: FBN1 (fibrillin 1; minus strand). Cytogenetic location: 15q21.1.
Variant type: single nucleotide variant.
Coding change: c.306C>G on transcript NM_000138.5 (MANE Select); coding-DNA position 306, C replaced by G.
Protein change: p.Cys102Trp; replaces cysteine 102 with tryptophan.
Molecular consequence: missense variant.
Genome position (GRCh38, 1-based): chr15:48,610,768, G>C on the plus strand (C>G on the coding strand, the complement: FBN1 is on the minus strand). VCF-style: chr15-48610768-G-C. GRCh37 (hg19) VCF-style: chr15-48902965-G-C.
Other names: c.306C>G, p.Cys102Trp (NM_001406716.1, NM_001406717.1); short protein forms C102W.
Identifiers: ClinVar variation 2922003 (VCV002922003.3), dbSNP rs25388, ClinGen allele CA392446956.